The following continues an entry in ClinVar:

NM_001042492.3(NF1):c.6172A>G (p.Ile2058Val)

Gene: NF1. ClinVar aggregate classification (germline): Conflicting classifications of pathogenicity. Uncertain significance (6); Benign (1); Likely benign (8).

Submissions 13 to 18 of 18:

Ambry Genetics
Classification: Likely benign for Cardiovascular phenotype; Hereditary cancer-predisposing syndrome. Last evaluated: 2018-06-18. Review status: criteria provided, single submitter. Criteria: Ambry Variant Classification Scheme 2023. Collection method: clinical testing. Allele origin: germline.

Laboratory for Molecular Medicine, Mass General Brigham Personalized Medicine
Classification: Uncertain significance. Last evaluated: 2017-09-19. Review status: criteria provided, single submitter. Criteria: LMM Criteria. Collection method: clinical testing. Allele origin: germline. Observed: 1 variant allele.
Comment: The p.Ile2058Val variant in NF1 has not been previously reported in individuals with RASopathies, but has been reported in ClinVar (Variation ID: 134887). It ha s been identified in 22/125856 European chromosomes by the Genome Aggregation Da tabase (gnomAD; dbSNP rs201712827). Computatio nal prediction tools and conservation analysis do not provide strong support for or against an impact to the protein. In summary, the clinical significance of t he p.Ile2058Val variant is uncertain.

Ambry Genetics
Classification: Likely benign for Hereditary cancer-predisposing syndrome. Last evaluated: 2015-06-28. Review status: criteria provided, single submitter. Criteria: Ambry Autosomal Dominant and X-Linked criteria (10/2015). Collection method: clinical testing. Allele origin: germline. Observed: 1 variant allele.
Comment: In silico models in agreement (benign);Other data supporting benign classification

PreventionGenetics, part of Exact Sciences
Classification: Likely benign for NF1-related condition. Last evaluated: 2022-08-05. Review status: no assertion criteria provided. Collection method: clinical testing. Allele origin: germline. Not counted in ClinVar's aggregate classification.
Comment: This variant is classified as likely benign based on ACMG/AMP sequence variant interpretation guidelines (Richards et al. 2015 PMID: 25741868, with internal and published modifications).

Institute for Biomarker Research, Medical Diagnostic Laboratories, L.L.C.
Classification: Uncertain significance for Hereditary cancer-predisposing syndrome. Last evaluated: 2021-09-27. Review status: no assertion criteria provided. Collection method: clinical testing. Allele origin: germline. Not counted in ClinVar's aggregate classification.

ITMI
No classification provided. Condition: AllHighlyPenetrant. Last evaluated: 2013-09-19. Review status: no classification provided. Collection method: reference population. Allele origin: germline. Not counted in ClinVar's aggregate classification.
Comment: Please see associated publication for description of ethnicities

Literature cited by the submitters: PubMed 24728327 (cited by 3 submitters); PubMed 10678181 (cited by Women's Health and Genetics/Laboratory Corporation of America, LabCorp); PubMed 23460398 (cited by Women's Health and Genetics/Laboratory Corporation of America, LabCorp); PubMed 29684080 (cited by Women's Health and Genetics/Laboratory Corporation of America, LabCorp and Sema4); PubMed 29290338 (cited by Women's Health and Genetics/Laboratory Corporation of America, LabCorp and Sema4); PubMed 33471991 (cited by Women's Health and Genetics/Laboratory Corporation of America, LabCorp and Sema4); PubMed 32107864 (cited by Women's Health and Genetics/Laboratory Corporation of America, LabCorp); PubMed 27069254 (cited by Women's Health and Genetics/Laboratory Corporation of America, LabCorp).